The following is an entry in ClinVar:

NM_001377265.1(MAPT):c.1673C>T (p.Ala558Val)

Gene: MAPT (microtubule associated protein tau). Cytogenetic location: 17q21.31.
Variant type: single nucleotide variant.
Coding change: c.1673C>T on transcript NM_001377265.1 (MANE Select); coding-DNA position 1673, C replaced by T.
Protein change: p.Ala558Val; replaces alanine 558 with valine.
Molecular consequence: missense variant. On other transcripts: non-coding transcript variant (1).
Genome position (GRCh38, 1-based): chr17:45,991,527, C>T. VCF-style: chr17-45991527-C-T. GRCh37 (hg19) VCF-style: chr17-44068893-C-T.
Other names: c.1448C>T, p.Ala483Val (NM_001123066.4, NM_016835.5); c.410C>T, p.Ala137Val (NM_001123067.4, NM_001203251.2, NM_001377267.1); c.497C>T, p.Ala166Val (NM_001203252.2, NM_005910.6); c.1475C>T, p.Ala492Val (NM_001377266.1); c.323C>T, p.Ala108Val (NM_001377268.1, NM_016834.5, NM_016841.5); short protein forms A492V, A558V, A137V, A108V, A483V, A166V.
Identifiers: ClinVar variation 2885144 (VCV002885144.3), dbSNP rs748313206, ClinGen allele CA8617972.

ClinVar aggregate classification (germline): Uncertain significance (1 of 4 stars; one submission).

Conditions:
Frontotemporal dementia (FTD1). Also called: FRONTOTEMPORAL LOBAR DEGENERATION WITH TAU INCLUSIONS; FTLD WITH TAU INCLUSIONS; Frontotemporal lobe dementia (FLDEM); FRONTOTEMPORAL DEMENTIA WITH PARKINSONISM; FRONTOTEMPORAL LOBE DEMENTIA; Dementia, frontotemporal, with or without parkinsonism. Identifiers: Orphanet 282, MedGen C0338451, MONDO:0017276, OMIM 600274, HP:0002145.

Allele frequency attached by ClinVar (database versions not stated): gnomAD exomes below 0.00001; TOPMed below 0.00001; ExAC 0.00001; gnomAD 0.00001.
gnomAD v4.1: 9 of 1,614,102 alleles (0.00056%); highest among the groups gnomAD compares: Non-Finnish European, 0.00076%; no homozygotes.

Submission:

Labcorp Genetics (formerly Invitae), Labcorp
Classification: Uncertain significance for Frontotemporal dementia. Last evaluated: 2023-12-28. Review status: criteria provided, single submitter. Criteria: Invitae Variant Classification Sherloc (09022015). Collection method: clinical testing. Allele origin: germline.
Comment: This sequence change replaces alanine, which is neutral and non-polar, with valine, which is neutral and non-polar, at codon 166 of the MAPT protein (p.Ala166Val). This variant is present in population databases (rs748313206, gnomAD 0.002%). This variant has not been reported in the literature in individuals affected with MAPT-related conditions. Advanced modeling of protein sequence and biophysical properties (such as structural, functional, and spatial information, amino acid conservation, physicochemical variation, residue mobility, and thermodynamic stability) performed at Invitae indicates that this missense variant is not expected to disrupt MAPT protein function with a negative predictive value of 80%. In summary, the available evidence is currently insufficient to determine the role of this variant in disease. Therefore, it has been classified as a Variant of Uncertain Significance.